The following is an entry in ClinVar:

ClinVar aggregate classification (germline): Uncertain significance (1 of 4 stars; one submission).

Submission:

Women's Health and Genetics/Laboratory Corporation of America, LabCorp
Classification: Uncertain significance. Last evaluated: 2021-02-08. Review status: criteria provided, single submitter. Criteria: LabCorp Variant Classification Summary - May 2015. Collection method: clinical testing. Allele origin: germline.
Comment: Variant summary: NRAS c.503T>A (p.Met168Lys) results in a non-conservative amino acid change in the encoded protein sequence. Three of five in-silico tools predict a benign effect of the variant on protein function. The variant was absent in 251472 control chromosomes. The available data on variant occurrences in the general population are insufficient to allow any conclusion about variant significance. To our knowledge, no occurrence of c.503T>A in individuals affected with Noonan Syndrome and no experimental evidence demonstrating its impact on protein function have been reported. No clinical diagnostic laboratories have submitted clinical-significance assessments for this variant to ClinVar after 2014. Based on the evidence outlined above, the variant was classified as uncertain significance.

NM_002524.5(NRAS):c.503T>A (p.Met168Lys)

Gene: NRAS (NRAS proto-oncogene, GTPase; minus strand). Cytogenetic location: 1p13.2.
Variant type: single nucleotide variant.
Coding change: c.503T>A on transcript NM_002524.5 (MANE Select); coding-DNA position 503, T replaced by A.
Protein change: p.Met168Lys; replaces methionine 168 with lysine.
Molecular consequence: missense variant.
Genome position (GRCh38, 1-based): chr1:114,708,602, A>T on the plus strand (T>A on the coding strand, the complement: NRAS is on the minus strand). VCF-style: chr1-114708602-A-T. GRCh37 (hg19) VCF-style: chr1-115251223-A-T.
Other names: short protein forms M168K.
Identifiers: ClinVar variation 997897 (VCV000997897.1), dbSNP rs1658970846, ClinGen allele CA341738678.